The following is an entry in ClinVar:

ClinVar aggregate classification (germline): Conflicting classifications of pathogenicity. Review status: criteria provided, conflicting classifications (1 of 4 stars). 2 submissions from 2 submitters: Likely pathogenic (1); Uncertain significance (1). Last evaluated 2021-06-28.

Conditions:
Duchenne muscular dystrophy (DMD). Also called: Duchenne Muscular Dystrophy (DMD); MUSCULAR DYSTROPHY, PSEUDOHYPERTROPHIC PROGRESSIVE, DUCHENNE TYPE. Identifiers: Orphanet 98896, MedGen C0013264, MONDO:0010679, OMIM 310200.

Submissions (2):

Labcorp Genetics (formerly Invitae), Labcorp
Classification: Likely pathogenic for Duchenne muscular dystrophy. Last evaluated: 2021-06-28. Review status: criteria provided, single submitter. Criteria: Invitae Variant Classification Sherloc (09022015). Collection method: clinical testing. Allele origin: germline.
Comment: This sequence change replaces cysteine with tyrosine at codon 3337 of the DMD protein (p.Cys3337Tyr). The cysteine residue is highly conserved and there is a large physicochemical difference between cysteine and tyrosine. This variant is not present in population databases (ExAC no frequency). This variant has been observed in individuals with Duchenne muscular dystrophy (PMID: 19959795, 33644936; Invitae). Algorithms developed to predict the effect of missense changes on protein structure and function are either unavailable or do not agree on the potential impact of this missense change (SIFT: "Deleterious"; PolyPhen-2: "Benign"; Align-GVGD: "Class C65"). This variant disrupts the p.Cys3337 amino acid residue in DMD. Other variant(s) that disrupt this residue have been observed in individuals with DMD-related conditions (PMID: 17726484, 26911353), which suggests that this may be a clinically significant amino acid residue. In summary, the currently available evidence indicates that the variant is pathogenic, but additional data are needed to prove that conclusively. Therefore, this variant has been classified as Likely Pathogenic.

Revvity Omics, Revvity
Classification: Uncertain significance. Last evaluated: 2019-07-22. Review status: criteria provided, single submitter. Criteria: ACMG Guidelines, 2015. Collection method: clinical testing. Allele origin: germline.

Literature cited by the submitters: PubMed 19959795 (cited by Labcorp Genetics (formerly Invitae), Labcorp); PubMed 33644936 (cited by Labcorp Genetics (formerly Invitae), Labcorp); PubMed 17726484 (cited by Labcorp Genetics (formerly Invitae), Labcorp); PubMed 26911353 (cited by Labcorp Genetics (formerly Invitae), Labcorp).

NM_004006.3(DMD):c.10010G>A (p.Cys3337Tyr)

Gene: DMD (dystrophin; minus strand). Cytogenetic location: Xp21.2.
Variant type: single nucleotide variant.
Coding change: c.10010G>A on transcript NM_004006.3 (MANE Select); coding-DNA position 10010, G replaced by A.
Protein change: p.Cys3337Tyr; replaces cysteine 3337 with tyrosine.
Molecular consequence: missense variant.
Genome position (GRCh38, 1-based): chrX:31,180,446, C>T on the plus strand (G>A on the coding strand, the complement: DMD is on the minus strand). VCF-style: chrX-31180446-C-T. GRCh37 (hg19) VCF-style: chrX-31198563-C-T.
Other names: c.9986G>A, p.Cys3329Tyr (NM_000109.4); c.9998G>A, p.Cys3333Tyr (NM_004009.3); c.9641G>A, p.Cys3214Tyr (NM_004010.3); c.5987G>A, p.Cys1996Tyr (NM_004011.4); c.5978G>A, p.Cys1993Tyr (NM_004012.4); c.2630G>A, p.Cys877Tyr (NM_004013.3, NM_004020.4, NM_004021.3 and 2 more transcripts); c.1823G>A, p.Cys608Tyr (NM_004014.3); c.806G>A, p.Cys269Tyr (NM_004015.3, NM_004016.3, NM_004017.3 and 2 more transcripts); and 1 more; short protein forms C1993Y, C1996Y, C3337Y, C269Y, C877Y, C3333Y, C608Y, C3214Y.
Identifiers: ClinVar variation 1504159 (VCV001504159.10), dbSNP rs2041037870, ClinGen allele CA412653163.